The following is an entry in ClinVar:

NM_021803.4(IL21):c.319C>T (p.Pro107Ser)

Gene: IL21 (interleukin 21; minus strand). Cytogenetic location: 4q27.
Variant type: single nucleotide variant.
Coding change: c.319C>T on transcript NM_021803.4 (MANE Select); coding-DNA position 319, C replaced by T.
Protein change: p.Pro107Ser; replaces proline 107 with serine.
Molecular consequence: missense variant.
Genome position (GRCh38, 1-based): chr4:122,615,723, G>A on the plus strand (C>T on the coding strand, the complement: IL21 is on the minus strand). VCF-style: chr4-122615723-G-A. GRCh37 (hg19) VCF-style: chr4-123536878-G-A.
Other names: c.319C>T, p.Pro107Ser (NM_001207006.3); short protein forms P107S.
Identifiers: ClinVar variation 1410799 (VCV001410799.6), dbSNP rs1351594510, ClinGen allele CA358221219.

ClinVar aggregate classification (germline): Uncertain significance (1 of 4 stars; one submission).

Submission:

Labcorp Genetics (formerly Invitae), Labcorp
Classification: Uncertain significance. Last evaluated: 2021-08-11. Review status: criteria provided, single submitter. Criteria: Invitae Variant Classification Sherloc (09022015). Collection method: clinical testing. Allele origin: germline.
Comment: This sequence change replaces proline with serine at codon 107 of the IL21 protein (p.Pro107Ser). The proline residue is weakly conserved and there is a moderate physicochemical difference between proline and serine. This variant is not present in population databases (ExAC no frequency). This variant has not been reported in the literature in individuals affected with IL21-related conditions. Algorithms developed to predict the effect of missense changes on protein structure and function output the following: SIFT: "Tolerated"; PolyPhen-2: "Benign"; Align-GVGD: "Class C0". The serine amino acid residue is found in multiple mammalian species, which suggests that this missense change does not adversely affect protein function. In summary, the available evidence is currently insufficient to determine the role of this variant in disease. Therefore, it has been classified as a Variant of Uncertain Significance.